The following is an entry in ClinVar:

NM_176787.5(PIGN):c.746A>G (p.Tyr249Cys)

Gene: PIGN (phosphatidylinositol glycan anchor biosynthesis class N; minus strand). Cytogenetic location: 18q21.33.
Variant type: single nucleotide variant.
Coding change: c.746A>G on transcript NM_176787.5 (MANE Select); coding-DNA position 746, A replaced by G.
Protein change: p.Tyr249Cys; replaces tyrosine 249 with cysteine.
Molecular consequence: missense variant.
Genome position (GRCh38, 1-based): chr18:62,147,030, T>C on the plus strand (A>G on the coding strand, the complement: PIGN is on the minus strand). VCF-style: chr18-62147030-T-C. GRCh37 (hg19) VCF-style: chr18-59814263-T-C.
Other names: c.746A>G, p.Tyr249Cys (NM_012327.6); short protein forms Y249C.
Identifiers: ClinVar variation 581394 (VCV000581394.48), dbSNP rs199555972, ClinGen allele CA8982510.

ClinVar aggregate classification (germline): Uncertain significance. Review status: criteria provided, multiple submitters, no conflicts (2 of 4 stars). 4 submissions from 4 submitters: Uncertain significance (4). Last evaluated 2025-04-07.

Conditions:
Multiple congenital anomalies-hypotonia-seizures syndrome 1 (MCAHS1). Also called: PIGN-CDG; Congenital disorder of glycosylation due to PIGN deficiency; GLYCOSYLPHOSPHATIDYLINOSITOL BIOSYNTHESIS DEFECT 3. Identifiers: Orphanet 280633, MedGen C3279775, MONDO:0013563, OMIM 614080.

Allele frequency attached by ClinVar (database versions not stated): TOPMed below 0.00001; ExAC 0.00001; gnomAD 0.00001 and 0.00002; gnomAD exomes 0.00001; 1000 Genomes Project 30x 0.00016; 1000 Genomes Project 0.00020.
gnomAD v4.1: 12 of 1,611,812 alleles (0.00074%); highest among the groups gnomAD compares: East Asian, 0.0022%; no homozygotes.

Submissions (4):

Labcorp Genetics (formerly Invitae), Labcorp
Classification: Uncertain significance for Multiple congenital anomalies-hypotonia-seizures syndrome 1. Last evaluated: 2025-04-07. Review status: criteria provided, single submitter. Criteria: Invitae Variant Classification Sherloc (09022015). Collection method: clinical testing. Allele origin: germline.
Comment: This sequence change replaces tyrosine, which is neutral and polar, with cysteine, which is neutral and slightly polar, at codon 249 of the PIGN protein (p.Tyr249Cys). This variant is present in population databases (rs199555972, gnomAD 0.006%). This variant has not been reported in the literature in individuals affected with PIGN-related conditions. ClinVar contains an entry for this variant (Variation ID: 581394). Invitae Evidence Modeling of protein sequence and biophysical properties (such as structural, functional, and spatial information, amino acid conservation, physicochemical variation, residue mobility, and thermodynamic stability) indicates that this missense variant is expected to disrupt PIGN protein function with a positive predictive value of 80%. In summary, the available evidence is currently insufficient to determine the role of this variant in disease. Therefore, it has been classified as a Variant of Uncertain Significance.

Women's Health and Genetics/Laboratory Corporation of America, LabCorp
Classification: Uncertain significance. Last evaluated: 2025-03-26. Review status: criteria provided, single submitter. Criteria: LabCorp Variant Classification Summary - May 2015. Collection method: clinical testing. Allele origin: germline.
Comment: Variant summary: PIGN c.746A>G (p.Tyr249Cys) results in a non-conservative amino acid change in the encoded protein sequence. Four of five in-silico tools predict a damaging effect of the variant on protein function. The variant allele was found at a frequency of 8.1e-06 in 247744 control chromosomes. c.746A>G has been reported in the literature in individuals affected with features of Multiple Congenital Anomalies-Hypotonia Syndrome 1 (e.g. Bayat_2022, Sidpra_2024), as well as in homozygous prenatal cases with Hydrocephalus (Gabriel_2022). These data indicate that the variant may be associated with disease. To our knowledge, no experimental evidence demonstrating an impact on protein function has been reported. The following publications have been ascertained in the context of this evaluation (PMID: 35179230, 34958143, 38456468). ClinVar contains an entry for this variant (Variation ID: 581394). Based on the evidence outlined above, the variant was classified as VUS-possibly pathogenic.

Johns Hopkins Genomics, Johns Hopkins University
Classification: Uncertain significance for Multiple congenital anomalies-hypotonia-seizures syndrome 1. Last evaluated: 2021-06-14. Review status: criteria provided, single submitter. Criteria: ACMG Guidelines, 2015. Collection method: clinical testing. Allele origin: germline.
Comment: PIGN c.746A>G (rs199555972) is rare (<0.1%) in a large population dataset (gnomAD: 2/247744 total alleles; 0.0008%; no homozygotes) and has been reported in ClinVar (Variation ID:581394). This variant has been reported in an individual with seizures and digital anomalies, however this report has not been peer-reviewed. Three bioinformatic tools queried predict that this substitution would be damaging and the tyrosine residue at this position is evolutionarily conserved across most of the species assessed. We consider the clinical significance of PIGN c.746A>G to be uncertain at this time.

CeGaT Center for Human Genetics Tuebingen
Classification: Uncertain significance. Last evaluated: 2018-05-01. Review status: criteria provided, single submitter. Criteria: CeGaT Center For Human Genetics Tuebingen Variant Classification Criteria Version 2. Collection method: clinical testing. Allele origin: germline. Affected: yes. Observed: 1 variant allele.

Literature cited by the submitters: PubMed 34958143 (cited by Women's Health and Genetics/Laboratory Corporation of America, LabCorp); PubMed 35179230 (cited by Women's Health and Genetics/Laboratory Corporation of America, LabCorp); PubMed 38456468 (cited by Women's Health and Genetics/Laboratory Corporation of America, LabCorp); PubMed 26394714 (cited by Johns Hopkins Genomics, Johns Hopkins University); PubMed 27038415 (cited by Johns Hopkins Genomics, Johns Hopkins University).